The following is an entry in ClinVar:

ClinVar aggregate classification (germline): Likely benign. Review status: criteria provided, single submitter (1 of 4 stars). 2 submissions from 2 submitters: Likely benign (1). 1 of the submissions does not count toward it. Last evaluated 2026-09-01.

Conditions:
RAD51B-related disorder. Also called: RAD51B-related condition.

Submissions (2):

CeGaT Center for Human Genetics Tuebingen
Classification: Likely benign. Last evaluated: 2026-09-01. Review status: criteria provided, single submitter. Criteria: CeGaT Center For Human Genetics Tuebingen Variant Classification Criteria Version 2. Collection method: clinical testing. Allele origin: germline. Affected: yes. Observed: 5 variant alleles.
Comment: RAD51B: BS1

PreventionGenetics, part of Exact Sciences
Classification: Likely benign for RAD51B-related condition. Last evaluated: 2019-06-25. Review status: no assertion criteria provided. Collection method: clinical testing. Allele origin: germline. Not counted in ClinVar's aggregate classification.
Comment: This variant is classified as likely benign based on ACMG/AMP sequence variant interpretation guidelines (Richards et al. 2015 PMID: 25741868, with internal and published modifications).

NM_133510.4(RAD51B):c.316-27_316-3del

Gene: RAD51B (RAD51 paralog B; plus strand). Cytogenetic location: 14q24.1.
Variant type: Deletion.
Coding change: c.316-27_316-3del on transcript NM_133510.4 (MANE Select); 27 bases into the intron before coding-DNA position 316 through 3 bases into the intron before coding-DNA position 316, 25 bases deleted (TTTTTTTTTTTTTTTTTTTTTTTTT).
Molecular consequence: intron variant.
Genome position (GRCh38, 1-based): chr14:67,864,976-67,865,000, TTTTTTTTTTTTTTTTTTTTTTTTT deleted; deleting any 25 consecutive bases within chr14:67,864,962-67,865,000 gives the same sequence; the c. name uses the placement nearest the transcript's 3' end. VCF-style (leftmost placement, unchanged base first): chr14-67864961-CTTTTTTTTTTTTTTTTTTTTTTTTT-C. GRCh37 (hg19) VCF-style: chr14-68331678-CTTTTTTTTTTTTTTTTTTTTTTTTT-C.
Other names: c.316-27_316-3del (NM_001321818.2, NM_001321809.2, NM_001321821.2 and 6 more transcripts); c.-42-27_-42-3del (NM_001321817.2); c.202-27_202-3del (NM_001321815.1).
Identifiers: ClinVar variation 3044143 (VCV003044143.9), dbSNP rs745505141, ClinGen allele CA7241046.
Genomic context (GRCh38, chr14:67,864,961, plus strand): 5'-TATATGGCAAAGTCTTAAAAGGATTTTGCTTTGACTGGCTTGTGATGTTTATCTAAAAAA[CTTTTTTTTTTTTTTTTTTTTTTTTT>C]TTTTTTTTTTTTTTAGATTACAGGTCCACCAGGTTGTGGAAAAACTCAGTTTTGTATAAT-3'